The following is an entry in ClinVar:

NM_000074.3(CD40LG):c.347-1G>A

Gene: CD40LG (CD40 ligand; plus strand). Cytogenetic location: Xq26.3.
Variant type: single nucleotide variant.
Coding change: c.347-1G>A on transcript NM_000074.3 (MANE Select); the canonical splice acceptor site of the intron before coding-DNA position 347, G replaced by A.
Molecular consequence: splice acceptor variant.
Genome position (GRCh38, 1-based): chrX:136,656,355, G>A. VCF-style: chrX-136656355-G-A. GRCh37 (hg19) VCF-style: chrX-135738514-G-A.
Identifiers: ClinVar variation 928859 (VCV000928859.1), dbSNP rs2076118841, ClinGen allele CA414754911.

ClinVar aggregate classification (germline): Pathogenic (1 of 4 stars; one submission).

Conditions:
Hyperimmunoglobulin M syndrome. Also called: Hyper IgM syndrome; Immunodeficiency with IgM hypergammaglobulinemia; Immunodeficiency with Hyper-IgM. Identifiers: MedGen C0272236, MONDO:0003947.

Submission:

Women's Health and Genetics/Laboratory Corporation of America, LabCorp
Classification: Pathogenic for Hyperimmunoglobulin M syndrome. Last evaluated: 2019-02-25. Review status: criteria provided, single submitter. Criteria: LabCorp Variant Classification Summary - May 2015. Collection method: clinical testing. Allele origin: germline.
Comment: Variant summary: CD40LG c.347-1G>A is located in a canonical splice-site and is predicted to affect mRNA splicing resulting in a significantly altered protein due to either exon skipping, shortening, or inclusion of intronic material. Several computational tools predict the variant abolishes a canonical 3' acceptor site. These predictions have been confirmed by several studies that performed cDNA sequence analysis on patient derived mRNA, demonstrating an in-frame exon 4 (63 bp) skipping (Scholl 1998, Garcia-Perez 2003, Lee 2005). These studies also demonstrated the lack of the CD40L protein on the surface of activated lymphocytes (Scholl 1998, Garcia-Perez 2003). The variant was absent in 178376 control chromosomes (gnomAD). c.347-1G>A has been reported in the literature in affected individuals (Leven 2016, Lee 2005, Garcia-Perez 2003, Scholl 1998). These data indicate that the variant is likely to be associated with disease. No clinical diagnostic laboratories have submitted clinical-significance assessments for this variant to ClinVar after 2014. Based on the evidence outlined above, the variant was classified as pathogenic.

Literature cited by the submitters: PubMed 27189378.